The following is an entry in ClinVar:

NM_004260.4(RECQL4):c.85-26_85-20dup

Genes: RECQL4 (RecQ like helicase 4; minus strand), LOC130001411 (ATAC-STARR-seq lymphoblastoid silent region 19699; plus strand). Cytogenetic location: 8q24.3.
Variant type: Duplication.
Coding change: c.85-26_85-20dup on transcript NM_004260.4 (MANE Select); 26 bases into the intron before coding-DNA position 85 through 20 bases into the intron before coding-DNA position 85, 7 bases duplicated (CCGCGGC; older notation c.85-26_85-20dupCCGCGGC).
Molecular consequence: intron variant. On other transcripts: 5 prime UTR variant (14).
Genome position (GRCh38, 1-based): chr8:144,517,655-144,517,661, GCCGCGG duplicated on the plus strand (CCGCGGC on the coding strand, the reverse complement: RECQL4 is on the minus strand); duplicating any 7 consecutive bases within chr8:144,517,655-144,517,667 gives the same sequence; the c. name uses the placement nearest the transcript's 3' end. VCF-style (leftmost placement, unchanged base first): chr8-144517654-A-AGCCGCGG. GRCh37 (hg19) VCF-style: chr8-145743038-A-AGCCGCGG.
Other names: c.-946-26_-946-20dup (NM_001413032.1); c.-884-26_-884-20dup (NM_001413035.1); c.85-26_85-20dup (NM_001413017.1, NM_001413020.1, NM_001413039.1 and 5 more transcripts); c.-1049-26_-1049-20dup (NM_001413027.1); c.-662_-656dup (NM_001413021.1); c.-1013_-1007dup (NM_001413022.1, NM_001413023.1, NM_001413037.1 and 2 more transcripts); c.-910_-904dup (NM_001413024.1); c.-738_-732dup (NM_001413028.1); and 5 more.
Identifiers: ClinVar variation 2738267 (VCV002738267.3), dbSNP rs2130744255, ClinGen allele CA2689129834.

ClinVar aggregate classification (germline): Uncertain significance (1 of 4 stars; one submission).

Conditions:
Baller-Gerold syndrome (BGS). Also called: CRANIOSYNOSTOSIS WITH RADIAL DEFECTS. Identifiers: Orphanet 1225, MedGen C0265308, MONDO:0009039, OMIM 218600.

Submission:

Labcorp Genetics (formerly Invitae), Labcorp
Classification: Uncertain significance for Baller-Gerold syndrome. Last evaluated: 2023-10-05. Review status: criteria provided, single submitter. Criteria: Invitae Variant Classification Sherloc (09022015). Collection method: clinical testing. Allele origin: germline.
Comment: This sequence change falls in intron 1 of the RECQL4 gene. It does not directly change the encoded amino acid sequence of the RECQL4 protein. This variant is not present in population databases (gnomAD no frequency). This variant has not been reported in the literature in individuals affected with RECQL4-related conditions. Algorithms developed to predict the effect of sequence changes on RNA splicing suggest that this variant may create or strengthen a splice site. In summary, the available evidence is currently insufficient to determine the role of this variant in disease. Therefore, it has been classified as a Variant of Uncertain Significance.